The following is an entry in ClinVar:

NM_033109.5(PNPT1):c.872C>T (p.Ala291Val)

Gene: PNPT1 (polyribonucleotide nucleotidyltransferase 1; minus strand). Cytogenetic location: 2p16.1.
Variant type: single nucleotide variant.
Coding change: c.872C>T on transcript NM_033109.5 (MANE Select); coding-DNA position 872, C replaced by T.
Protein change: p.Ala291Val; replaces alanine 291 with valine.
Molecular consequence: missense variant.
Genome position (GRCh38, 1-based): chr2:55,672,041, G>A on the plus strand (C>T on the coding strand, the complement: PNPT1 is on the minus strand). VCF-style: chr2-55672041-G-A. GRCh37 (hg19) VCF-style: chr2-55899176-G-A.
Other names: short protein forms A291V.
Identifiers: ClinVar variation 1315704 (VCV001315704.2), dbSNP rs1696933161, ClinGen allele CA346932421.

ClinVar aggregate classification (germline): Uncertain significance (1 of 4 stars; one submission).

Allele frequency attached by ClinVar (database versions not stated): gnomAD exomes below 0.00001.

Submission:

GeneDx
Classification: Uncertain significance. Last evaluated: 2019-10-17. Review status: criteria provided, single submitter. Criteria: GeneDx Variant Classification Process June 2021. Collection method: clinical testing. Allele origin: germline. Affected: yes.
Comment: Not observed in large population cohorts (Lek et al., 2016); In silico analysis, which includes protein predictors and evolutionary conservation, supports that this variant does not alter protein structure/function; Has not been previously published as pathogenic or benign to our knowledge